The following is an entry in ClinVar:

NM_001374736.1(DST):c.22959+4A>G

Gene: DST (dystonin; minus strand). Cytogenetic location: 6p12.1.
Variant type: single nucleotide variant.
Coding change: c.22959+4A>G on transcript NM_001374736.1 (MANE Select); 4 bases into the intron after coding-DNA position 22959, A replaced by G.
Molecular consequence: intron variant.
Genome position (GRCh38, 1-based): chr6:56,463,561, T>C on the plus strand (A>G on the coding strand, the complement: DST is on the minus strand). VCF-style: chr6-56463561-T-C. GRCh37 (hg19) VCF-style: chr6-56328359-T-C.
Other names: c.16530+4A>G (NM_001144769.5); c.22887+4A>G (NM_001374722.1); c.22914+4A>G (NM_001374734.1); c.16116+4A>G (NM_001144770.2); c.15741+4A>G (NM_001374730.1); c.15978+4A>G (NM_001386100.1); c.15996+4A>G (NM_183380.4); c.21999+4A>G (NM_001374729.1); and 1 more.
Identifiers: ClinVar variation 1777287 (VCV001777287.2), dbSNP rs1472206822, ClinGen allele CA567637693.
Genomic context (GRCh38, chr6:56,463,561, plus strand): 5'-TTCAAAAGTCTACTTGGGACATTGATTGCAAAGGTGGAGGAAAAGTCTTCATCCTGAGTC[T>C]TACCTTGGGTGTGGTGGTGGCAGGGACCTGTGGGGAGGCCGCCTGCGCAGCCTGACTGGA-3'

ClinVar aggregate classification (germline): Uncertain significance (1 of 4 stars; one submission).

Conditions:
Inborn genetic diseases. Identifiers: MedGen C0950123, MeSH D030342.

Allele frequency attached by ClinVar (database versions not stated): gnomAD 0.00001; gnomAD exomes 0.00001; TOPMed 0.00001.
gnomAD v4.1: 9 of 1,571,164 alleles (0.00057%); highest among the groups gnomAD compares: Middle Eastern, 0.017%; no homozygotes.

Submission:

Ambry Genetics
Classification: Uncertain significance for Inborn genetic diseases. Last evaluated: 2020-02-06. Review status: criteria provided, single submitter. Criteria: Ambry Variant Classification Scheme 2023. Collection method: clinical testing. Allele origin: germline.
Comment: The c.16530+4A>G intronic variant results from an A to G substitution 4 nucleotides after coding exon 94 in the DST gene. This nucleotide position is poorly conserved in available vertebrate species. Using two different splice site prediction tools, this alteration is predicted by ESEfinder to weaken the efficiency of the native splice donor site, but is not predicted to have a deleterious effect on this splice donor site by BDGP; however, direct evidence is unavailable. Since supporting evidence is limited at this time, the clinical significance of this alteration remains unclear.